The following is an entry in ClinVar:

NM_203447.4(DOCK8):c.3254A>G (p.Asn1085Ser)

Gene: DOCK8 (dedicator of cytokinesis 8; plus strand). Cytogenetic location: 9p24.3.
Variant type: single nucleotide variant.
Coding change: c.3254A>G on transcript NM_203447.4 (MANE Select); coding-DNA position 3254, A replaced by G.
Protein change: p.Asn1085Ser; replaces asparagine 1085 with serine.
Molecular consequence: missense variant.
Genome position (GRCh38, 1-based): chr9:404,937, A>G. VCF-style: chr9-404937-A-G. GRCh37 (hg19) VCF-style: chr9-404937-A-G.
Other names: c.2954A>G, p.Asn985Ser (NM_001190458.2); c.3050A>G, p.Asn1017Ser (NM_001193536.2); short protein forms N1085S, N985S, N1017S.
Identifiers: ClinVar variation 366972 (VCV000366972.8), dbSNP rs527474230, ClinGen allele CA4958618.

ClinVar aggregate classification (germline): Uncertain significance. Review status: criteria provided, multiple submitters, no conflicts (2 of 4 stars). 4 submissions from 4 submitters: Uncertain significance (4). Last evaluated 2025-12-16.

Conditions:
Combined immunodeficiency due to DOCK8 deficiency (HIES2). Also called: HIES autosomal recessive; Hyper-IgE recurrent infection syndrome, autosomal recessive; HYPER-IgE RECURRENT INFECTION SYNDROME 2, AUTOSOMAL RECESSIVE; HYPER-IgE SYNDROME 2, AUTOSOMAL RECESSIVE, WITH RECURRENT INFECTIONS; DOCK8 Deficiency. Identifiers: Orphanet 217390, MedGen C4722305, MONDO:0009478, OMIM 243700.
Inborn genetic diseases. Identifiers: MedGen C0950123, MeSH D030342.

Allele frequency attached by ClinVar (database versions not stated): gnomAD 0.00001; TOPMed 0.00001; ExAC 0.00002; gnomAD exomes 0.00002 and 0.00004; 1000 Genomes Project 30x 0.00016; 1000 Genomes Project 0.00020.
gnomAD v4.1: 66 of 1,614,046 alleles (0.0041%); highest among the groups gnomAD compares: East Asian, 0.14%; 1 homozygote.

Submissions (4):

Labcorp Genetics (formerly Invitae), Labcorp
Classification: Uncertain significance for Combined immunodeficiency due to DOCK8 deficiency. Last evaluated: 2025-12-16. Review status: criteria provided, single submitter. Criteria: Invitae Variant Classification Sherloc (09022015). Collection method: clinical testing. Allele origin: germline.
Comment: This sequence change replaces asparagine, which is neutral and polar, with serine, which is neutral and polar, at codon 1085 of the DOCK8 protein (p.Asn1085Ser). This variant is present in population databases (rs527474230, gnomAD 0.02%). This variant has not been reported in the literature in individuals affected with DOCK8-related conditions. ClinVar contains an entry for this variant (Variation ID: 366972). Invitae Evidence Modeling of protein sequence and biophysical properties (such as structural, functional, and spatial information, amino acid conservation, physicochemical variation, residue mobility, and thermodynamic stability) indicates that this missense variant is not expected to disrupt DOCK8 protein function with a negative predictive value of 80%. In summary, the available evidence is currently insufficient to determine the role of this variant in disease. Therefore, it has been classified as a Variant of Uncertain Significance.

Ambry Genetics
Classification: Uncertain significance for Inborn genetic diseases. Last evaluated: 2024-02-21. Review status: criteria provided, single submitter. Criteria: Ambry Variant Classification Scheme 2023. Collection method: clinical testing. Allele origin: germline.

Women's Health and Genetics/Laboratory Corporation of America, LabCorp
Classification: Uncertain significance. Last evaluated: 2024-01-16. Review status: criteria provided, single submitter. Criteria: LabCorp Variant Classification Summary - May 2015. Collection method: clinical testing. Allele origin: germline.
Comment: Variant summary: DOCK8 c.3254A>G (p.Asn1085Ser) results in a conservative amino acid change in the encoded protein sequence. Four of four in-silico tools predict a benign effect of the variant on protein function. The variant allele was found at a frequency of 2e-05 in 251332 control chromosomes. The available data on variant occurrences in the general population are insufficient to allow any conclusion about variant significance. To our knowledge, no occurrence of c.3254A>G in individuals affected with Combined Immunodeficiency Due To DOCK8 Deficiency and no experimental evidence demonstrating its impact on protein function have been reported. ClinVar contains an entry for this variant (Variation ID: 366972). Based on the evidence outlined above, the variant was classified as uncertain significance.

Illumina Laboratory Services, Illumina
Classification: Uncertain significance for Combined immunodeficiency due to DOCK8 deficiency. Last evaluated: 2018-01-13. Review status: criteria provided, single submitter. Criteria: ICSL Variant Classification Criteria 13 December 2019. Collection method: clinical testing. Allele origin: germline.